The following is an entry in ClinVar:

ClinVar aggregate classification (germline): Uncertain significance. Review status: criteria provided, multiple submitters, no conflicts (2 of 4 stars). 2 submissions from 2 submitters: Uncertain significance (2). Last evaluated 2025-11-11.

Allele frequency attached by ClinVar (database versions not stated): ExAC 0.00007; TOPMed 0.00009; gnomAD 0.00010; ESP Exome Variant Server 0.00015; gnomAD exomes 0.00029.
gnomAD v4.1: 431 of 1,613,890 alleles (0.027%); highest among the groups gnomAD compares: Non-Finnish European, 0.035%; 1 homozygote.

Submissions (2):

Labcorp Genetics (formerly Invitae), Labcorp
Classification: Uncertain significance. Last evaluated: 2025-11-11. Review status: criteria provided, single submitter. Criteria: Invitae Variant Classification Sherloc (09022015). Collection method: clinical testing. Allele origin: germline.
Comment: This sequence change replaces serine, which is neutral and polar, with asparagine, which is neutral and polar, at codon 295 of the CEP97 protein (p.Ser295Asn). This variant is present in population databases (rs151291975, gnomAD 0.02%). This variant has not been reported in the literature in individuals affected with CEP97-related conditions. ClinVar contains an entry for this variant (Variation ID: 2173877). Invitae Evidence Modeling of protein sequence and biophysical properties (such as structural, functional, and spatial information, amino acid conservation, physicochemical variation, residue mobility, and thermodynamic stability) indicates that this missense variant is not expected to disrupt CEP97 protein function with a negative predictive value of 80%. In summary, the available evidence is currently insufficient to determine the role of this variant in disease. Therefore, it has been classified as a Variant of Uncertain Significance.

Ambry Genetics
Classification: Uncertain significance. Last evaluated: 2025-07-01. Review status: criteria provided, single submitter. Criteria: Ambry Variant Classification Scheme 2023. Collection method: clinical testing. Allele origin: germline.

NM_024548.4(CEP97):c.884G>A (p.Ser295Asn)

Gene: CEP97 (centrosomal protein 97; plus strand). Cytogenetic location: 3q12.3.
Variant type: single nucleotide variant.
Coding change: c.884G>A on transcript NM_024548.4 (MANE Select); coding-DNA position 884, G replaced by A.
Protein change: p.Ser295Asn; replaces serine 295 with asparagine.
Molecular consequence: missense variant.
Genome position (GRCh38, 1-based): chr3:101,755,585, G>A. VCF-style: chr3-101755585-G-A. GRCh37 (hg19) VCF-style: chr3-101474429-G-A.
Other names: c.884G>A, p.Ser295Asn (NM_001303401.2); c.782G>A, p.Ser261Asn (NM_001410784.1, NM_001410785.1); c.884G>A (NM_024548.2); short protein forms S261N, S295N.
Identifiers: ClinVar variation 2173877 (VCV002173877.6), dbSNP rs151291975, ClinGen allele CA2522012.